The following is an entry in ClinVar:

ClinVar aggregate classification (germline): Pathogenic (1 of 4 stars; one submission).

Conditions:
Hereditary cancer-predisposing syndrome. Also called: Neoplastic Syndromes, Hereditary; Tumor predisposition; Hereditary Cancer Syndrome; Hereditary neoplastic syndrome. Identifiers: Orphanet 140162, MedGen C0027672, MeSH D009386, MONDO:0015356.

Submission:

Ambry Genetics
Classification: Pathogenic for Hereditary cancer-predisposing syndrome. Last evaluated: 2019-03-26. Review status: criteria provided, single submitter. Criteria: Ambry Variant Classification Scheme 2023. Collection method: clinical testing. Allele origin: germline.
Comment: The c.4075_4085dup11 pathogenic mutation, located in coding exon 9 of the BRCA1 gene, results from a duplication of CAAAGCATGGA at nucleotide position 4075, causing a translational frameshift with a predicted alternate stop codon (p.S1363Kfs*7). This alteration is expected to result in loss of function by premature protein truncation or nonsense-mediated mRNA decay. As such, this alteration is interpreted as a disease-causing mutation.

NM_007294.4(BRCA1):c.4075_4085dup (p.Ser1363fs)

Genes: BRCA1 (BRCA1 DNA repair associated; minus strand), LOC126862571 (BRD4-independent group 4 enhancer GRCh37_chr17:41243136-41244335; plus strand). Cytogenetic location: 17q21.31.
Variant type: Duplication.
Coding change: c.4075_4085dup on transcript NM_007294.4 (MANE Select); coding-DNA positions 4075 to 4085, 11 bases duplicated (CAAAGCATGGA).
Protein change: p.Ser1363fs; shifts the reading frame from serine 1363.
Molecular consequence: frameshift variant. On other transcripts: intron variant (135).
Genome position (GRCh38, 1-based): chr17:43,091,446-43,091,456, TCCATGCTTTG duplicated on the plus strand (CAAAGCATGGA on the coding strand, the reverse complement: BRCA1 is on the minus strand). VCF-style (leftmost placement, unchanged base first): chr17-43091445-A-ATCCATGCTTTG. GRCh37 (hg19) VCF-style: chr17-41243462-A-ATCCATGCTTTG.
Other names: c.3862_3872dup, p.Ser1292fs (NM_001407571.1, NM_001407853.1, NM_001407894.1 and 9 more transcripts); c.4075_4085dup, p.Ser1363fs (NM_001407581.1, NM_001407582.1, NM_001407583.1 and 30 more transcripts); c.4075_4085dup11 (NM_007294.3); c.4072_4082dup, p.Ser1362fs (NM_001407587.1, NM_001407590.1, NM_001407591.1 and 22 more transcripts); c.4066_4076dup, p.Ser1360fs (NM_001407646.1, NM_001407647.1); c.3952_3962dup, p.Ser1322fs (NM_001407648.1, NM_001407664.1, NM_001407665.1 and 19 more transcripts); c.3949_3959dup, p.Ser1321fs (NM_001407649.1, NM_001407670.1, NM_001407671.1 and 11 more transcripts); c.3997_4007dup, p.Ser1337fs (NM_001407653.1, NM_001407654.1, NM_001407655.1 and 4 more transcripts); and 42 more; short protein forms S1316fs, S1363fs, S1235fs, S1337fs, S1362fs, S495fs, S1251fs, S1292fs.
Identifiers: ClinVar variation 1737576 (VCV001737576.2), dbSNP rs2552106937, ClinGen allele CA2580094051.